The following is an entry in ClinVar:

ClinVar aggregate classification (germline): Uncertain significance. Review status: criteria provided, multiple submitters, no conflicts (2 of 4 stars). 2 submissions from 2 submitters: Uncertain significance (2). Last evaluated 2025-12-07.

Conditions:
Hereditary cancer-predisposing syndrome. Also called: Tumor predisposition; Hereditary neoplastic syndrome; Neoplastic Syndromes, Hereditary; Hereditary Cancer Syndrome. Identifiers: Orphanet 140162, MedGen C0027672, MeSH D009386, MONDO:0015356.

Submissions (2):

Ambry Genetics
Classification: Uncertain significance for Hereditary cancer-predisposing syndrome. Last evaluated: 2025-12-07. Review status: criteria provided, single submitter. Criteria: Ambry Variant Classification Scheme 2023. Collection method: clinical testing. Allele origin: germline.
Comment: The p.S351T variant (also known as c.1051T>A), located in coding exon 7 of the FH gene, results from a T to A substitution at nucleotide position 1051. The serine at codon 351 is replaced by threonine, an amino acid with similar properties. This amino acid position is conserved. In addition, this alteration is predicted to be deleterious by in silico analysis. Based on the available evidence, the clinical significance of this variant remains unclear.

Labcorp Genetics (formerly Invitae), Labcorp
Classification: Uncertain significance. Last evaluated: 2019-12-11. Review status: criteria provided, single submitter. Criteria: Invitae Variant Classification Sherloc (09022015). Collection method: clinical testing. Allele origin: germline.
Comment: This variant is not present in population databases (ExAC no frequency). Algorithms developed to predict the effect of missense changes on protein structure and function are either unavailable or do not agree on the potential impact of this missense change (SIFT: "Tolerated"; PolyPhen-2: "Possibly Damaging"; Align-GVGD: "Class C0"). This variant has not been reported in the literature in individuals with FH-related conditions. In summary, the available evidence is currently insufficient to determine the role of this variant in disease. Therefore, it has been classified as a Variant of Uncertain Significance. This sequence change replaces serine with threonine at codon 351 of the FH protein (p.Ser351Thr). The serine residue is moderately conserved and there is a small physicochemical difference between serine and threonine.

NM_000143.4(FH):c.1051T>A (p.Ser351Thr)

Gene: FH (fumarate hydratase; minus strand). Cytogenetic location: 1q43.
Variant type: single nucleotide variant.
Coding change: c.1051T>A on transcript NM_000143.4 (MANE Select); coding-DNA position 1051, T replaced by A.
Protein change: p.Ser351Thr; replaces serine 351 with threonine.
Molecular consequence: missense variant.
Genome position (GRCh38, 1-based): chr1:241,504,099, A>T on the plus strand (T>A on the coding strand, the complement: FH is on the minus strand). VCF-style: chr1-241504099-A-T. GRCh37 (hg19) VCF-style: chr1-241667399-A-T.
Other names: short protein forms S351T.
Identifiers: ClinVar variation 848069 (VCV000848069.11), dbSNP rs766918221, ClinGen allele CA345438133.